The following is an entry in ClinVar:

ClinVar aggregate classification (germline): Uncertain significance (1 of 4 stars; one submission).

Conditions:
Long QT syndrome (LQTS). Identifiers: MedGen C0023976, MeSH D008133, MONDO:0002442. Disease mechanism: loss of function. Inheritance: Various modes of inheritance.

Submission:

Labcorp Genetics (formerly Invitae), Labcorp
Classification: Uncertain significance for Long QT syndrome. Last evaluated: 2020-11-06. Review status: criteria provided, single submitter. Criteria: Invitae Variant Classification Sherloc (09022015). Collection method: clinical testing. Allele origin: germline.
Comment: The frequency data for this variant in the population databases is considered unreliable, as metrics indicate insufficient coverage at this position in the ExAC database. In summary, the available evidence is currently insufficient to determine the role of this variant in disease. Therefore, it has been classified as a Variant of Uncertain Significance. Algorithms developed to predict the effect of missense changes on protein structure and function are either unavailable or do not agree on the potential impact of this missense change (SIFT: "Not Available"; PolyPhen-2: "Benign"; Align-GVGD: "Not Available"). This variant has not been reported in the literature in individuals with KCNQ1-related conditions. This sequence change replaces serine with leucine at codon 66 of the KCNQ1 protein (p.Ser66Leu). The serine residue is moderately conserved and there is a large physicochemical difference between serine and leucine.

NM_000218.3(KCNQ1):c.197_198delinsTA (p.Ser66Leu)

Gene: KCNQ1 (potassium voltage-gated channel subfamily Q member 1; plus strand). Cytogenetic location: 11p15.5.
Variant type: Indel.
Coding change: c.197_198delinsTA on transcript NM_000218.3 (MANE Select); coding-DNA positions 197 to 198, CC replaced by TA.
Protein change: p.Ser66Leu; replaces serine 66 with leucine.
Molecular consequence: missense variant.
Genome position (GRCh38, 1-based): chr11:2,445,295-2,445,296, CC replaced by TA. VCF-style: chr11-2445295-CC-TA. GRCh37 (hg19) VCF-style: chr11-2466525-CC-TA.
Other names: short protein forms S66L.
Identifiers: ClinVar variation 1410933 (VCV001410933.6), dbSNP rs2133559832, ClinGen allele CA2573146064.
Genomic context (GRCh38, chr11:2,445,295, plus strand): 5'-CGGGCGGCGCGCTCTACGCGCCCATCGCGCCCGGCGCCCCAGGTCCCGCGCCCCCTGCGT[CC>TA]CCGGCCGCGCCCGCCGCGCCCCCAGTTGCCTCCGACCTTGGCCCGCGGCCGCCGGTGAGC-3'
Protein context (NP_000209.2, residues 56-76): PGAPGPAPPA[Ser66Leu]PAAPAAPPVA